The following is an entry in ClinVar:

ClinVar aggregate classification (germline): Uncertain significance (1 of 4 stars; one submission).

Conditions:
Norman-Roberts syndrome (LIS2). Also called: Lissencephaly 2 (Norman-Roberts type). Identifiers: Orphanet 89844, MedGen C0796089, MONDO:0009760, OMIM 257320.
Familial temporal lobe epilepsy 7. Identifiers: Orphanet 101046, MedGen C4225327, MONDO:0014639, OMIM 616436.

Submission:

Labcorp Genetics (formerly Invitae), Labcorp
Classification: Uncertain significance for Familial temporal lobe epilepsy 7; Norman-Roberts syndrome. Last evaluated: 2024-08-27. Review status: criteria provided, single submitter. Criteria: Invitae Variant Classification Sherloc (09022015). Collection method: clinical testing. Allele origin: germline.
Comment: This sequence change replaces leucine, which is neutral and non-polar, with serine, which is neutral and polar, at codon 741 of the RELN protein (p.Leu741Ser). This variant is not present in population databases (gnomAD no frequency). This variant has not been reported in the literature in individuals affected with RELN-related conditions. Invitae Evidence Modeling of protein sequence and biophysical properties (such as structural, functional, and spatial information, amino acid conservation, physicochemical variation, residue mobility, and thermodynamic stability) indicates that this missense variant is not expected to disrupt RELN protein function with a negative predictive value of 80%. In summary, the available evidence is currently insufficient to determine the role of this variant in disease. Therefore, it has been classified as a Variant of Uncertain Significance.

NM_005045.4(RELN):c.2222T>C (p.Leu741Ser)

Gene: RELN (reelin; minus strand). Cytogenetic location: 7q22.1.
Variant type: single nucleotide variant.
Coding change: c.2222T>C on transcript NM_005045.4 (MANE Select); coding-DNA position 2222, T replaced by C.
Protein change: p.Leu741Ser; replaces leucine 741 with serine.
Molecular consequence: missense variant.
Genome position (GRCh38, 1-based): chr7:103,636,316, A>G on the plus strand (T>C on the coding strand, the complement: RELN is on the minus strand). VCF-style: chr7-103636316-A-G. GRCh37 (hg19) VCF-style: chr7-103276763-A-G.
Other names: c.2222T>C, p.Leu741Ser (NM_173054.3); short protein forms L741S.
Identifiers: ClinVar variation 3757820 (VCV003757820.2).